The following is an entry in ClinVar:

NM_004329.3(BMPR1A):c.455G>T (p.Arg152Leu)

Gene: BMPR1A (bone morphogenetic protein receptor type 1A; plus strand). Cytogenetic location: 10q23.2.
Variant type: single nucleotide variant.
Coding change: c.455G>T on transcript NM_004329.3 (MANE Select); coding-DNA position 455, G replaced by T.
Protein change: p.Arg152Leu; replaces arginine 152 with leucine.
Molecular consequence: missense variant. On other transcripts: non-coding transcript variant (3), intron variant (1).
Genome position (GRCh38, 1-based): chr10:86,900,051, G>T. VCF-style: chr10-86900051-G-T. GRCh37 (hg19) VCF-style: chr10-88659808-G-T.
Other names: c.455G>T, p.Arg152Leu (NM_001406576.1, NM_001406577.1, NM_001406578.1 and 22 more transcripts); c.371G>T, p.Arg124Leu (NM_001406584.1, NM_001406585.1, NM_001406586.1 and 2 more transcripts); c.333+7822G>T (NM_001406589.1); short protein forms R124L, R152L.
Identifiers: ClinVar variation 2694470 (VCV002694470.4), dbSNP rs567009904, ClinGen allele CA377450243.

ClinVar aggregate classification (germline): Uncertain significance. Review status: criteria provided, multiple submitters, no conflicts (2 of 4 stars). 2 submissions from 2 submitters: Uncertain significance (2). Last evaluated 2024-02-22.

Conditions:
Juvenile polyposis syndrome (JPS). Identifiers: Orphanet 2929, MedGen C0345893, MONDO:0017380, OMIM 174900.

Submissions (2):

All of Us Research Program, National Institutes of Health
Classification: Uncertain significance for Juvenile polyposis syndrome. Last evaluated: 2024-02-22. Review status: criteria provided, single submitter. Criteria: ACMG Guidelines, 2015. Collection method: clinical testing. Allele origin: germline. Inheritance: Autosomal dominant inheritance. Observed: 1 variant allele, 1 heterozygote.
Comment: This missense variant replaces arginine with leucine at codon 152 of the BMPR1A protein. Computational prediction suggests that this variant may not impact protein structure and function (internally defined REVEL score threshold <= 0.5, PMID: 27666373). To our knowledge, functional studies have not been reported for this variant. This variant has not been reported in individuals affected with BMPR1A-related disorders in the literature. This variant has not been identified in the general population by the Genome Aggregation Database (gnomAD). The available evidence is insufficient to determine the role of this variant in disease conclusively. Therefore, this variant is classified as a Variant of Uncertain Significance.

This study involves interpretation of variants in research participants for the purpose of population health screening. Participant phenotype was not available at the time of variant classification. Additional details can be found in publication PMID: 35346344, PMCID: PMC8962531

Labcorp Genetics (formerly Invitae), Labcorp
Classification: Uncertain significance for Juvenile polyposis syndrome. Last evaluated: 2023-11-13. Review status: criteria provided, single submitter. Criteria: Invitae Variant Classification Sherloc (09022015). Collection method: clinical testing. Allele origin: germline.
Comment: This sequence change replaces arginine, which is basic and polar, with leucine, which is neutral and non-polar, at codon 152 of the BMPR1A protein (p.Arg152Leu). This variant is not present in population databases (gnomAD no frequency). This variant has not been reported in the literature in individuals affected with BMPR1A-related conditions. Advanced modeling of protein sequence and biophysical properties (such as structural, functional, and spatial information, amino acid conservation, physicochemical variation, residue mobility, and thermodynamic stability) performed at Invitae indicates that this missense variant is not expected to disrupt BMPR1A protein function with a negative predictive value of 80%. In summary, the available evidence is currently insufficient to determine the role of this variant in disease. Therefore, it has been classified as a Variant of Uncertain Significance.